The following is an entry in ClinVar:

ClinVar aggregate classification (germline): Uncertain significance (1 of 4 stars; one submission).

Conditions:
Cardiovascular phenotype. Identifiers: MedGen CN230736.

Allele frequency attached by ClinVar (database versions not stated): gnomAD exomes 0.00001; TOPMed 0.00001.

Submission:

Ambry Genetics
Classification: Uncertain significance for Cardiovascular phenotype. Last evaluated: 2021-12-24. Review status: criteria provided, single submitter. Criteria: Ambry Variant Classification Scheme 2023. Collection method: clinical testing. Allele origin: germline.
Comment: The p.L487P variant (also known as c.1460T>C), located in coding exon 10 of the LMF1 gene, results from a T to C substitution at nucleotide position 1460. The leucine at codon 487 is replaced by proline, an amino acid with similar properties. This amino acid position is conserved. In addition, this alteration is predicted to be deleterious by in silico analysis. Since supporting evidence is limited at this time, the clinical significance of this alteration remains unclear.

NM_022773.4(LMF1):c.1460T>C (p.Leu487Pro)

Gene: LMF1 (lipase maturation factor 1; minus strand). Cytogenetic location: 16p13.3.
Variant type: single nucleotide variant.
Coding change: c.1460T>C on transcript NM_022773.4 (MANE Select); coding-DNA position 1460, T replaced by C.
Protein change: p.Leu487Pro; replaces leucine 487 with proline.
Molecular consequence: missense variant. On other transcripts: synonymous variant (1), non-coding transcript variant (1).
Genome position (GRCh38, 1-based): chr16:869,013, A>G on the plus strand (T>C on the coding strand, the complement: LMF1 is on the minus strand). VCF-style: chr16-869013-A-G. GRCh37 (hg19) VCF-style: chr16-919013-A-G.
Other names: c.809T>C, p.Leu270Pro (NM_001352017.2, NM_001352021.2); c.1061T>C, p.Leu354Pro (NM_001352018.2); c.1133T>C, p.Leu378Pro (NM_001352019.2); c.1380T>C, p.Ala460= (NM_001352020.1); short protein forms L487P, L354P, L270P, L378P.
Identifiers: ClinVar variation 1773152 (VCV001773152.2), dbSNP rs2069695087, ClinGen allele CA394121674.